The following is an entry in ClinVar:

NM_000392.5(ABCC2):c.4175_4180del (p.Arg1392_Met1393del)

Gene: ABCC2 (ATP binding cassette subfamily C member 2; plus strand). Cytogenetic location: 10q24.2.
Variant type: Deletion.
Coding change: c.4175_4180del on transcript NM_000392.5 (MANE Select); coding-DNA positions 4175 to 4180, 6 bases deleted (GGATGA; older notation c.4175_4180delGGATGA).
Protein change: p.Arg1392_Met1393del.
Molecular consequence: inframe deletion.
Genome position (GRCh38, 1-based): chr10:99,846,989-99,846,994, GGATGA deleted; deleting any 6 consecutive bases within chr10:99,846,986-99,846,994 gives the same sequence; the c. name uses the placement nearest the transcript's 3' end. VCF-style (leftmost placement, unchanged base first): chr10-99846985-CTGAGGA-C. GRCh37 (hg19) VCF-style: chr10-101606742-CTGAGGA-C.
Other names: p.Arg1392_Met1393del; c.4175_4180del, p.Arg1392_Met1393del (LRG_1208t1); c.4175_4180del6 (NM_000392.4); c.4175_4180del (NM_000392.4).
Identifiers: ClinVar variation 502516 (VCV000502516.26), dbSNP rs749662916, ClinGen allele CA5644067.

ClinVar aggregate classification (germline): Conflicting classifications of pathogenicity. Review status: criteria provided, conflicting classifications (1 of 4 stars). 7 submissions from 7 submitters: Likely pathogenic (4); Uncertain significance (2). 1 of the submissions does not count toward it. Last evaluated 2026-03-12.

Conditions:
ABCC2-related disorder. Also called: ABCC2-related condition.
Dubin-Johnson syndrome (DJS). Also called: Jaundice, Chronic Idiopathic; Hyperbilirubinemia type 2; HYPERBILIRUBINEMIA, DUBIN-JOHNSON TYPE. Identifiers: Orphanet 234, MedGen C0022350, MONDO:0009380, OMIM 237500.

Submissions (7):

GeneDx
Classification: Likely pathogenic. Last evaluated: 2026-03-12. Review status: criteria provided, single submitter. Criteria: GeneDx Variant Classification Process June 2021. Collection method: clinical testing. Allele origin: germline.
Comment: Identified in a patient with Dubin-Johnson syndrome in the published literature, however, it is unclear if this variant was present in the heterozygous or homozygous state (PMID: 10464142); Published functional studies demonstrate a damaging effect (PMID: 11093739); In-frame deletion of 2 amino acids in a non-repeat region; In silico analysis suggests that this variant does not alter protein structure/function; This variant is associated with the following publications: (PMID: 34426522, 16377077, 12087194, 10464142, 11093739, 33713692)

Labcorp Genetics (formerly Invitae), Labcorp
Classification: Uncertain significance. Last evaluated: 2024-12-18. Review status: criteria provided, single submitter. Criteria: Invitae Variant Classification Sherloc (09022015). Collection method: clinical testing. Allele origin: germline.
Comment: This variant, c.4175_4180del, results in the deletion of 2 amino acid(s) of the ABCC2 protein (p.Arg1392_Met1393del), but otherwise preserves the integrity of the reading frame. This variant is present in population databases (rs749662916, gnomAD 0.02%). This variant has been observed in individual(s) with clinical features of Dubin-Johnson syndrome (PMID: 10464142). This variant is also known as MRP2delta(R,M). ClinVar contains an entry for this variant (Variation ID: 502516). Algorithms developed to predict the effect of variants on gene product structure and function are not available or were not evaluated for this variant. Experimental studies have shown that this variant affects ABCC2 function (PMID: 11093739). This variant disrupts a region of the ABCC2 protein in which other variant(s) (p.Met1393Ile) have been observed in individuals with ABCC2-related conditions (PMID: 33713692). This suggests that this is a clinically significant region of the protein, and that variants that disrupt it are likely to be disease-causing. In summary, the available evidence is currently insufficient to determine the role of this variant in disease. Therefore, it has been classified as a Variant of Uncertain Significance.

CeGaT Center for Human Genetics Tuebingen
Classification: Likely pathogenic. Last evaluated: 2024-09-01. Review status: criteria provided, single submitter. Criteria: CeGaT Center For Human Genetics Tuebingen Variant Classification Criteria Version 2. Collection method: clinical testing. Allele origin: germline. Affected: yes. Observed: 1 variant allele.
Comment: ABCC2: PM2, PM4, PM3:Supporting, PS3:Supporting

Fulgent Genetics
Classification: Likely pathogenic for Dubin-Johnson syndrome. Last evaluated: 2024-04-24. Review status: criteria provided, single submitter. Criteria: ACMG Guidelines, 2015. Collection method: clinical testing. Allele origin: germline.

Mayo Clinic Laboratories, Mayo Clinic
Classification: Likely pathogenic. Last evaluated: 2022-08-24. Review status: criteria provided, single submitter. Criteria: ACMG Guidelines, 2015. Collection method: clinical testing. Allele origin: germline. Observed: 1 variant allele.
Comment: PM2, PM4, PS3

Eurofins Ntd Llc (ga)
Classification: Uncertain significance. Last evaluated: 2018-05-22. Review status: criteria provided, single submitter. Criteria: EGL ClinVar v180209 classification definitions. Collection method: clinical testing. Allele origin: germline. Observed: 2 variant alleles, 2 heterozygotes.

PreventionGenetics, part of Exact Sciences
Classification: Uncertain significance for ABCC2-related condition. Last evaluated: 2024-05-17. Review status: no assertion criteria provided. Collection method: clinical testing. Allele origin: germline. Not counted in ClinVar's aggregate classification.
Comment: The ABCC2 c.4175_4180del6 variant is predicted to result in an in-frame deletion (p.Arg1392_Met1393del). This variant has been reported in a patient with Dubin-Johnson syndrome (Patient H2, Tsujii et al. 1999. PubMed ID: 10464142). A functional study showed that this variant impaired maturation and proper sorting of the protein to the apical membrane (referred to as MRP2D(R,M), Keitel et al. 2000. PubMed ID: 11093739). This variant is reported in 0.023% of alleles in individuals of Latino descent in gnomAD. Although we suspect that this variant may be pathogenic, at this time, the clinical significance of this variant is uncertain due to the absence of conclusive functional and genetic evidence.

Literature cited by the submitters: PubMed 10464142 (cited by Labcorp Genetics (formerly Invitae), Labcorp and Mayo Clinic Laboratories, Mayo Clinic); PubMed 11093739 (cited by Labcorp Genetics (formerly Invitae), Labcorp and Mayo Clinic Laboratories, Mayo Clinic); PubMed 33713692 (cited by Labcorp Genetics (formerly Invitae), Labcorp); PubMed 12087194 (cited by Mayo Clinic Laboratories, Mayo Clinic); PubMed 16377077 (cited by Mayo Clinic Laboratories, Mayo Clinic); PubMed 34426522 (cited by Mayo Clinic Laboratories, Mayo Clinic).